The following is an entry in ClinVar:

ClinVar aggregate classification (germline): Uncertain significance (1 of 4 stars; one submission).

Conditions:
Cystic fibrosis (CF). Also called: MUCOVISCIDOSIS. Identifiers: Orphanet 586, MedGen C0010674, MONDO:0009061, OMIM 219700. Disease mechanism: loss of function.

Submission:

Ambry Genetics
Classification: Uncertain significance for Cystic fibrosis. Last evaluated: 2021-03-16. Review status: criteria provided, single submitter. Criteria: Ambry Variant Classification Scheme 2023. Collection method: clinical testing. Allele origin: germline.
Comment: The p.S495Y variant (also known as c.1484C>A), located in coding exon 11 of the CFTR gene, results from a C to A substitution at nucleotide position 1484. The serine at codon 495 is replaced by tyrosine, an amino acid with dissimilar properties. This alteration was reported in one individual who underwent population screening (Poulou M et al. J Cyst Fibros, 2012 Jul;11:344-8). In addition, this alteration was not reported in 25 individuals with chronic pancreatitis and was reported in 1/236 healthy controls (Tzetis M et al. Clin Genet, 2007 May;71:451-7). This amino acid position is highly conserved in available vertebrate species. In addition, this alteration is predicted to be deleterious by in silico analysis. Since supporting evidence is limited at this time, the clinical significance of this alteration remains unclear.

Literature cited by the submitters: PubMed 17489851; PubMed 22326559.

NM_000492.4(CFTR):c.1484C>A (p.Ser495Tyr)

Genes: CFTR (CF transmembrane conductance regulator; plus strand), CFTR-AS1 (CFTR antisense RNA 1; minus strand). Cytogenetic location: 7q31.2.
Variant type: single nucleotide variant.
Coding change: c.1484C>A on transcript NM_000492.4 (MANE Select); coding-DNA position 1484, C replaced by A.
Protein change: p.Ser495Tyr; replaces serine 495 with tyrosine.
Molecular consequence: missense variant.
Genome position (GRCh38, 1-based): chr7:117,559,555, C>A. VCF-style: chr7-117559555-C-A. GRCh37 (hg19) VCF-style: chr7-117199609-C-A.
Other names: short protein forms S495Y.
Identifiers: ClinVar variation 1773631 (VCV001773631.2), dbSNP rs906983070, ClinGen allele CA368984566.
Genomic context (GRCh38, chr7:117,559,555, plus strand): 5'-TGGAGCCTTCAGAGGGTAAAATTAAGCACAGTGGAAGAATTTCATTCTGTTCTCAGTTTT[C>A]CTGGATTATGCCTGGCACCATTAAAGAAAATATCATCTTTGGTGTTTCCTATGATGAATA-3'
Protein context (NP_000483.3, residues 485-505): SGRISFCSQF[Ser495Tyr]WIMPGTIKEN